The following is an entry in ClinVar:

NM_000083.3(CLCN1):c.2243T>G (p.Leu748Arg)

Gene: CLCN1 (chloride voltage-gated channel 1; plus strand). Cytogenetic location: 7q34.
Variant type: single nucleotide variant.
Coding change: c.2243T>G on transcript NM_000083.3 (MANE Select); coding-DNA position 2243, T replaced by G.
Protein change: p.Leu748Arg; replaces leucine 748 with arginine.
Molecular consequence: missense variant. On other transcripts: non-coding transcript variant (1).
Genome position (GRCh38, 1-based): chr7:143,346,210, T>G. VCF-style: chr7-143346210-T-G. GRCh37 (hg19) VCF-style: chr7-143043303-T-G.
Other names: short protein forms L748R.
Identifiers: ClinVar variation 1063597 (VCV001063597.9), dbSNP rs768009397, ClinGen allele CA4537599.
Genomic context (GRCh38, chr7:143,346,210, plus strand): 5'-CCCTTGCTCTCCACCCCTCTACTACTGCCCCTCTGTCCCCAGAAGAGCCCAATGGGCCTC[T>G]GCCTGGCCACAAACAGCAGCCGGAAGCACCAGAGCCTGCAGGTGACGCTCTTCCCTCATG-3'
Protein context (NP_000074.3, residues 738-758): PLSPEEPNGP[Leu748Arg]PGHKQQPEAP

ClinVar aggregate classification (germline): Uncertain significance (1 of 4 stars; one submission).

Conditions:
Congenital myotonia, autosomal dominant form (THD). Also called: THOMSEN DISEASE; Myotonia congenita autosomal dominant. Identifiers: Orphanet 614, MedGen C2936781, MONDO:0008055, OMIM 160800.
Congenital myotonia, autosomal recessive form. Also called: Becker Generalized Myotonia; myotonia congenita, autosomal recessive; BECKER DISEASE. Identifiers: Orphanet 614, MedGen C0751360, MONDO:0009715, OMIM 255700.

Allele frequency attached by ClinVar (database versions not stated): TOPMed below 0.00001; ExAC 0.00001; gnomAD exomes 0.00001.
gnomAD v4.1: 3 of 1,613,804 alleles (0.00019%); highest among the groups gnomAD compares: Admixed American, 0.005%; no homozygotes.

Submission:

Labcorp Genetics (formerly Invitae), Labcorp
Classification: Uncertain significance for Congenital myotonia, autosomal recessive form; Congenital myotonia, autosomal dominant form. Last evaluated: 2020-08-23. Review status: criteria provided, single submitter. Criteria: Invitae Variant Classification Sherloc (09022015). Collection method: clinical testing. Allele origin: germline.
Comment: In summary, the available evidence is currently insufficient to determine the role of this variant in disease. Therefore, it has been classified as a Variant of Uncertain Significance. Advanced modeling of protein sequence and biophysical properties (such as structural, functional, and spatial information, amino acid conservation, physicochemical variation, residue mobility, and thermodynamic stability) performed at Invitae indicates that this missense variant is not expected to disrupt CLCN1 protein function. This variant has not been reported in the literature in individuals with CLCN1-related conditions. The frequency data for this variant in the population databases is considered unreliable, as metrics indicate poor data quality at this position in the ExAC database. This sequence change replaces leucine with arginine at codon 748 of the CLCN1 protein (p.Leu748Arg). The leucine residue is moderately conserved and there is a moderate physicochemical difference between leucine and arginine.